The following is an entry in ClinVar:

NM_138927.4(SON):c.4780T>C (p.Ser1594Pro)

Gene: SON (SON DNA and RNA binding protein; plus strand). Cytogenetic location: 21q22.11.
Variant type: single nucleotide variant.
Coding change: c.4780T>C on transcript NM_138927.4 (MANE Select); coding-DNA position 4780, T replaced by C.
Protein change: p.Ser1594Pro; replaces serine 1594 with proline.
Molecular consequence: missense variant. On other transcripts: non-coding transcript variant (1), intron variant (1).
Genome position (GRCh38, 1-based): chr21:33,554,011, T>C. VCF-style: chr21-33554011-T-C. GRCh37 (hg19) VCF-style: chr21-34926317-T-C.
Other names: c.4780T>C, p.Ser1594Pro (NM_001291411.2, NM_001412133.1, NM_032195.3 and 2 more transcripts); c.245-3145T>C (NM_001291412.3); short protein forms S1594P.
Identifiers: ClinVar variation 3007162 (VCV003007162.3), dbSNP rs2517384265, ClinGen allele CA410163369.

ClinVar aggregate classification (germline): Uncertain significance (1 of 4 stars; one submission).

Allele frequency attached by ClinVar (database versions not stated): gnomAD exomes below 0.00001.
gnomAD v4.1: 2 of 1,614,122 alleles (0.00012%); highest among the groups gnomAD compares: African/African-American, 0.0013%; no homozygotes.

Submission:

Labcorp Genetics (formerly Invitae), Labcorp
Classification: Uncertain significance. Last evaluated: 2022-11-06. Review status: criteria provided, single submitter. Criteria: Invitae Variant Classification Sherloc (09022015). Collection method: clinical testing. Allele origin: germline.
Comment: In summary, the available evidence is currently insufficient to determine the role of this variant in disease. Therefore, it has been classified as a Variant of Uncertain Significance. Algorithms developed to predict the effect of missense changes on protein structure and function output the following: SIFT: "Deleterious"; PolyPhen-2: "Possibly Damaging"; Align-GVGD: "Class C0". The proline amino acid residue is found in multiple mammalian species, which suggests that this missense change does not adversely affect protein function. This variant has not been reported in the literature in individuals affected with SON-related conditions. This variant is not present in population databases (gnomAD no frequency). This sequence change replaces serine, which is neutral and polar, with proline, which is neutral and non-polar, at codon 1594 of the SON protein (p.Ser1594Pro).